The following is an entry in ClinVar:

ClinVar aggregate classification (germline): Uncertain significance (1 of 4 stars; one submission).

Conditions:
Generalized epilepsy-paroxysmal dyskinesia syndrome (PNKD3). Also called: Paroxysmal nonkinesigenic dyskinesia, 3, with or without generalized epilepsy; Generalized epilepsy and paroxysmal dyskinesia. Identifiers: Orphanet 79137, MedGen C5574945, MONDO:0012276, OMIM 609446.

gnomAD v4.1: 1 of 1,544,332 alleles (0.000065%); highest among the groups gnomAD compares: Non-Finnish European, 0.000088%; no homozygotes.

Submission:

Labcorp Genetics (formerly Invitae), Labcorp
Classification: Uncertain significance for Generalized epilepsy-paroxysmal dyskinesia syndrome. Last evaluated: 2025-07-03. Review status: criteria provided, single submitter. Criteria: Invitae Variant Classification Sherloc (09022015). Collection method: clinical testing. Allele origin: germline.
Comment: This sequence change replaces alanine, which is neutral and non-polar, with proline, which is neutral and non-polar, at codon 38 of the KCNMA1 protein (p.Ala38Pro). This variant is not present in population databases (gnomAD no frequency). This variant has not been reported in the literature in individuals affected with KCNMA1-related conditions. ClinVar contains an entry for this variant (Variation ID: 1406367). An algorithm developed to predict the effect of missense changes on protein structure and function (PolyPhen-2) suggests that this variant is likely to be disruptive. In summary, the available evidence is currently insufficient to determine the role of this variant in disease. Therefore, it has been classified as a Variant of Uncertain Significance.

NM_001161352.2(KCNMA1):c.112G>C (p.Ala38Pro)

Gene: KCNMA1 (potassium calcium-activated channel subfamily M alpha 1; minus strand). Cytogenetic location: 10q22.3.
Variant type: single nucleotide variant.
Coding change: c.112G>C on transcript NM_001161352.2 (MANE Select); coding-DNA position 112, G replaced by C.
Protein change: p.Ala38Pro; replaces alanine 38 with proline.
Molecular consequence: missense variant.
Genome position (GRCh38, 1-based): chr10:77,637,531, C>G on the plus strand (G>C on the coding strand, the complement: KCNMA1 is on the minus strand). VCF-style: chr10-77637531-C-G. GRCh37 (hg19) VCF-style: chr10-79397289-C-G.
Other names: c.112G>C, p.Ala38Pro (NM_001014797.3, NM_001161353.2, NM_001271518.2 and 12 more transcripts); short protein forms A38P.
Identifiers: ClinVar variation 1406367 (VCV001406367.8), dbSNP rs767099267, ClinGen allele CA377412738.